The following is an entry in ClinVar:

ClinVar aggregate classification (germline): Uncertain significance (1 of 4 stars; one submission).

Conditions:
Hoyeraal-Hreidarsson syndrome (HHS). Also called: CEREBELLAR HYPOPLASIA WITH PANCYTOPENIA. Identifiers: Orphanet 3322, MedGen C1846142, MONDO:0018045.
Autosomal recessive dyskeratosis congenita. Identifiers: MedGen C3502105.

Allele frequency attached by ClinVar (database versions not stated): gnomAD exomes 0.00001 and 0.00004; ExAC 0.00009; ESP Exome Variant Server 0.00015; gnomAD 0.00019 and 0.00020; TOPMed 0.00022; 1000 Genomes Project 0.00060; 1000 Genomes Project 30x 0.00062.

Submission:

Labcorp Genetics (formerly Invitae), Labcorp
Classification: Uncertain significance for Hoyeraal-Hreidarsson syndrome; Autosomal recessive dyskeratosis congenita. Last evaluated: 2019-05-06. Review status: criteria provided, single submitter. Criteria: Invitae Variant Classification Sherloc (09022015). Collection method: clinical testing. Allele origin: germline.
Comment: In summary, the available evidence is currently insufficient to determine the role of this variant in disease. Therefore, it has been classified as a Variant of Uncertain Significance. Algorithms developed to predict the effect of missense changes on protein structure and function (SIFT, PolyPhen-2, Align-GVGD) all suggest that this variant is likely to be tolerated, but these predictions have not been confirmed by published functional studies and their clinical significance is uncertain. This variant has not been reported in the literature in individuals with DCLRE1B-related conditions. This variant is present in population databases (rs140411676, ExAC 0.1%). This sequence change replaces alanine with proline at codon 132 of the DCLRE1B protein (p.Ala132Pro). The alanine residue is moderately conserved and there is a small physicochemical difference between alanine and proline.

NM_022836.4(DCLRE1B):c.394G>C (p.Ala132Pro)

Gene: DCLRE1B (DNA cross-link repair 1B; plus strand). Cytogenetic location: 1p13.2.
Variant type: single nucleotide variant.
Coding change: c.394G>C on transcript NM_022836.4 (MANE Select); coding-DNA position 394, G replaced by C.
Protein change: p.Ala132Pro; replaces alanine 132 with proline.
Molecular consequence: missense variant.
Genome position (GRCh38, 1-based): chr1:113,908,047, G>C. VCF-style: chr1-113908047-G-C. GRCh37 (hg19) VCF-style: chr1-114450669-G-C.
Other names: c.16G>C, p.Ala6Pro (NM_001319946.2, NM_001319947.2, NM_001363691.2); c.394G>C, p.Ala132Pro (NM_001363690.2); short protein forms A132P, A6P.
Identifiers: ClinVar variation 948067 (VCV000948067.10), dbSNP rs140411676, ClinGen allele CA1016392.